The following is an entry in ClinVar:

NM_001039591.3(USP9X):c.7592_7593del (p.Arg2531fs)

Gene: USP9X (ubiquitin specific peptidase 9 X-linked; plus strand). Cytogenetic location: Xp11.4.
Variant type: Microsatellite.
Coding change: c.7592_7593del on transcript NM_001039591.3 (MANE Select); coding-DNA positions 7592 to 7593, 2 bases deleted (GA; older notation c.7592_7593delGA).
Protein change: p.Arg2531fs; shifts the reading frame from arginine 2531.
Molecular consequence: frameshift variant.
Genome position (GRCh38, 1-based): chrX:41,232,451-41,232,452, GA deleted; deleting any 2 consecutive bases within chrX:41,232,448-41,232,452 gives the same sequence; the c. name uses the placement nearest the transcript's 3' end. VCF-style (leftmost placement, unchanged base first): chrX-41232447-CAG-C. GRCh37 (hg19) VCF-style: chrX-41091700-CAG-C.
Other names: c.7640_7641del, p.Arg2547fs (NM_001039590.3); c.7653_7654GA[1], p.Arg2552Asnfs (NM_001410748.1); c.7605_7606GA[1], p.Arg2536Asnfs (NM_001410749.1); short protein forms R2531fs, R2547fs.
Identifiers: ClinVar variation 1879758 (VCV001879758.29), dbSNP rs2519422862, ClinGen allele CA2580616995.
Genomic context (GRCh38, chrX:41,232,447, plus strand): 5'-AATAACCATGTGCATGGACAGCCATATACAGGCCCAGCAGCACATCACATGAACAACCCT[CAG>C]AGAACTGGCCAACGAGCACAAGAAAATTATGAAGGCAGTGAAGAAGTATCCCCACCTCAA-3'

ClinVar aggregate classification (germline): Uncertain significance (1 of 4 stars; one submission).

Submission:

CeGaT Center for Human Genetics Tuebingen
Classification: Uncertain significance. Last evaluated: 2022-12-01. Review status: criteria provided, single submitter. Criteria: CeGaT Center For Human Genetics Tuebingen Variant Classification Criteria Version 2. Collection method: clinical testing. Allele origin: germline. Affected: yes. Observed: 1 variant allele.
Comment: USP9X: PM2, PVS1:Moderate, PS2:Supporting